The following is an entry in ClinVar:

NM_001012614.2(CTBP1):c.132C>T (p.Asp44=)

Gene: CTBP1 (C-terminal binding protein 1; minus strand). Cytogenetic location: 4p16.3.
Variant type: single nucleotide variant.
Coding change: c.132C>T on transcript NM_001012614.2 (MANE Select); coding-DNA position 132, C replaced by T.
Protein change: p.Asp44=; no amino-acid change (aspartic acid 44 retained).
Molecular consequence: synonymous variant.
Genome position (GRCh38, 1-based): chr4:1,238,213, G>A on the plus strand (C>T on the coding strand, the complement: CTBP1 is on the minus strand). VCF-style: chr4-1238213-G-A. GRCh37 (hg19) VCF-style: chr4-1232001-G-A.
Other names: c.165C>T, p.Asp55= (NM_001328.3).
Identifiers: ClinVar variation 752446 (VCV000752446.10), dbSNP rs553993690, ClinGen allele CA2804596.

ClinVar aggregate classification (germline): Likely benign. Review status: criteria provided, single submitter (1 of 4 stars). 2 submissions from 2 submitters: Likely benign (1). 1 of the submissions does not count toward it. Last evaluated 2025-07-22.

Conditions:
CTBP1-related disorder. Also called: CTBP1-related condition.

Allele frequency attached by ClinVar (database versions not stated): gnomAD exomes 0.00004 and 0.00013; ExAC 0.00010; gnomAD 0.00011; 1000 Genomes Project 30x 0.00016; 1000 Genomes Project 0.00020; TOPMed 0.00022.
gnomAD v4.1: 86 of 1,612,928 alleles (0.0053%); highest among the groups gnomAD compares: Admixed American, 0.05%; no homozygotes.

Submissions (2):

Labcorp Genetics (formerly Invitae), Labcorp
Classification: Likely benign. Last evaluated: 2025-07-22. Review status: criteria provided, single submitter. Criteria: Invitae Variant Classification Sherloc (09022015). Collection method: clinical testing. Allele origin: germline.

PreventionGenetics, part of Exact Sciences
Classification: Likely benign for CTBP1-related condition. Last evaluated: 2019-02-25. Review status: no assertion criteria provided. Collection method: clinical testing. Allele origin: germline. Not counted in ClinVar's aggregate classification.
Comment: This variant is classified as likely benign based on ACMG/AMP sequence variant interpretation guidelines (Richards et al. 2015 PMID: 25741868, with internal and published modifications).